The following is an entry in ClinVar:

ClinVar aggregate classification (germline): Pathogenic (1 of 4 stars; one submission).

Conditions:
Cardiovascular phenotype. Identifiers: MedGen CN230736.
Hereditary cancer-predisposing syndrome. Also called: Neoplastic Syndromes, Hereditary; Tumor predisposition; Hereditary Cancer Syndrome; Hereditary neoplastic syndrome. Identifiers: Orphanet 140162, MedGen C0027672, MeSH D009386, MONDO:0015356.

Submission:

Ambry Genetics
Classification: Pathogenic for Cardiovascular phenotype; Hereditary cancer-predisposing syndrome. Last evaluated: 2020-09-17. Review status: criteria provided, single submitter. Criteria: Ambry Variant Classification Scheme 2023. Collection method: clinical testing. Allele origin: germline.
Comment: The c.1273_1279delCCTAAATinsTAAGG pathogenic mutation, located in coding exon 12 of the LZTR1 gene, results from the deletion of 7 nucleotides and insertion of 5 nucleotides causing a translational frameshift with a predicted alternate stop codon (p.P425*). This alteration is expected to result in loss of function by premature protein truncation or nonsense-mediated mRNA decay. As such, this alteration is interpreted as a disease-causing mutation.

NM_006767.4(LZTR1):c.1273_1279delinsTAAGG (p.Pro425_Cys427delinsTer)

Gene: LZTR1 (leucine zipper like post translational regulator 1; plus strand). Cytogenetic location: 22q11.21.
Variant type: Indel.
Coding change: c.1273_1279delinsTAAGG on transcript NM_006767.4 (MANE Select); coding-DNA positions 1273 to 1279, CCTAAAT replaced by TAAGG.
Protein change: p.Pro425_Cys427delinsTer.
Molecular consequence: nonsense.
Genome position (GRCh38, 1-based): chr22:20,993,674-20,993,680, CCTAAAT replaced by TAAGG. VCF-style: chr22-20993674-CCTAAAT-TAAGG. GRCh37 (hg19) VCF-style: chr22-21347963-CCTAAAT-TAAGG.
Identifiers: ClinVar variation 1765873 (VCV001765873.2), dbSNP rs2518619891, ClinGen allele CA2580099148.